The following is an entry in ClinVar:

ClinVar aggregate classification (germline): Uncertain significance. Review status: criteria provided, single submitter (1 of 4 stars). 2 submissions from 2 submitters: Uncertain significance (1). 1 of the submissions does not count toward it. Last evaluated 2025-03-19.

Conditions:
Autosomal dominant nocturnal frontal lobe epilepsy 5. Also called: Epilepsy, nocturnal frontal lobe, 5; CILIARY DYSKINESIA, PRIMARY, 28, WITH SITUS INVERSUS; KCNT1-Related Epilepsy; CILIARY DYSKINESIA, PRIMARY, 28, WITHOUT SITUS INVERSUS. Identifiers: Orphanet 98784, MedGen C3554306, MONDO:0014002, OMIM 615005.
Developmental and epileptic encephalopathy, 14 (DEE14). Also called: Early infantile epileptic encephalopathy 14. Identifiers: Orphanet 293181, MedGen C3554195, MONDO:0013989, OMIM 614959.
Neurodevelopmental abnormality. Identifiers: MedGen C4022737, HP:0012759.

Allele frequency attached by ClinVar (database versions not stated): gnomAD exomes below 0.00001.
gnomAD v4.1: 4 of 1,614,146 alleles (0.00025%); highest among the groups gnomAD compares: Middle Eastern, 0.017%; no homozygotes.

Submissions (2):

Labcorp Genetics (formerly Invitae), Labcorp
Classification: Uncertain significance for Autosomal dominant nocturnal frontal lobe epilepsy 5; Developmental and epileptic encephalopathy, 14. Last evaluated: 2025-03-19. Review status: criteria provided, single submitter. Criteria: Invitae Variant Classification Sherloc (09022015). Collection method: clinical testing. Allele origin: germline.
Comment: This sequence change replaces glutamine, which is neutral and polar, with arginine, which is basic and polar, at codon 151 of the KCNT1 protein (p.Gln151Arg). This variant is not present in population databases (gnomAD no frequency). This variant has not been reported in the literature in individuals affected with KCNT1-related conditions. ClinVar contains an entry for this variant (Variation ID: 984574). Invitae Evidence Modeling of protein sequence and biophysical properties (such as structural, functional, and spatial information, amino acid conservation, physicochemical variation, residue mobility, and thermodynamic stability) indicates that this missense variant is not expected to disrupt KCNT1 protein function with a negative predictive value of 95%. In summary, the available evidence is currently insufficient to determine the role of this variant in disease. Therefore, it has been classified as a Variant of Uncertain Significance.

Department of Genetics, Rouen University Hospital, Normandy Center for Genomic and Personalized Medicine
Classification: Likely benign for Neurodevelopmental abnormality. Last evaluated: 2020-04-03. Review status: no assertion criteria provided. Collection method: clinical testing. Allele origin: maternal. Affected: yes. Not counted in ClinVar's aggregate classification.

NM_020822.3(KCNT1):c.452A>G (p.Gln151Arg)

Gene: KCNT1 (potassium sodium-activated channel subfamily T member 1; plus strand). Cytogenetic location: 9q34.3.
Variant type: single nucleotide variant.
Coding change: c.452A>G on transcript NM_020822.3 (MANE Select); coding-DNA position 452, A replaced by G.
Protein change: p.Gln151Arg; replaces glutamine 151 with arginine.
Molecular consequence: missense variant.
Genome position (GRCh38, 1-based): chr9:135,753,954, A>G. VCF-style: chr9-135753954-A-G. GRCh37 (hg19) VCF-style: chr9-138645800-A-G.
Other names: c.308A>G, p.Gln103Arg (NM_001272003.2); short protein forms Q103R, Q151R.
Identifiers: ClinVar variation 984574 (VCV000984574.3), dbSNP rs1831337271, ClinGen allele CA375495771.